The following is an entry in ClinVar:

ClinVar aggregate classification (germline): Benign/Likely benign. Review status: criteria provided, multiple submitters, no conflicts (2 of 4 stars). 6 submissions from 6 submitters: Benign (1); Likely benign (4). 1 of the submissions does not count toward it. Last evaluated 2025-11-22.

Conditions:
FH-related disorder. Also called: FH-related disorders; FH-related condition.
Hereditary cancer-predisposing syndrome. Also called: Neoplastic Syndromes, Hereditary; Tumor predisposition; Hereditary neoplastic syndrome; Hereditary Cancer Syndrome. Identifiers: Orphanet 140162, MedGen C0027672, MeSH D009386, MONDO:0015356.
Hereditary leiomyomatosis and renal cell cancer. Also called: MULTIPLE CUTANEOUS AND UTERINE LEIOMYOMATA 1, WITH OR WITHOUT RENAL CELL CARCINOMA; FH tumor predisposition syndrome; LEIOMYOMA, MULTIPLE CUTANEOUS; Multiple cutaneous leiomyomas; Reed syndrome; Multiple cutaneous and uterine leiomyomatosis. Identifiers: Orphanet 523, MedGen C1708350, MONDO:0007888, OMIM 150800, HP:0007437. Disease mechanism: loss of function.

Allele frequency attached by ClinVar (database versions not stated): TOPMed below 0.00001; gnomAD exomes 0.00001; ExAC 0.00002; gnomAD 0.00003 and 0.00004.
gnomAD v4.1: 17 of 1,613,836 alleles (0.0011%); highest among the groups gnomAD compares: Non-Finnish European, 0.0014%; no homozygotes.

Submissions (6):

Labcorp Genetics (formerly Invitae), Labcorp
Classification: Likely benign. Last evaluated: 2025-11-22. Review status: criteria provided, single submitter. Criteria: Invitae Variant Classification Sherloc (09022015). Collection method: clinical testing. Allele origin: germline.

Myriad Genetics, Inc.
Classification: Benign for Hereditary leiomyomatosis and renal cell cancer. Last evaluated: 2024-10-18. Review status: criteria provided, single submitter. Criteria: Myriad Autosomal Dominant, Autosomal Recessive and X-Linked Classification Criteria (2023). Collection method: clinical testing. Allele origin: unknown.
Comment: This variant is considered benign. This variant is a silent/synonymous amino acid change and it is not expected to impact splicing.

Sema4
Classification: Likely benign for Hereditary cancer-predisposing syndrome. Last evaluated: 2021-11-15. Review status: criteria provided, single submitter. Criteria: Sema4 Curation Guidelines. Collection method: curation. Allele origin: germline.

GeneDx
Classification: Likely benign. Last evaluated: 2020-10-23. Review status: criteria provided, single submitter. Criteria: GeneDx Variant Classification Process June 2021. Collection method: clinical testing. Allele origin: germline. Affected: yes.

Ambry Genetics
Classification: Likely benign for Hereditary cancer-predisposing syndrome. Last evaluated: 2015-07-22. Review status: criteria provided, single submitter. Criteria: Ambry Variant Classification Scheme 2023. Collection method: clinical testing. Allele origin: germline.

PreventionGenetics, part of Exact Sciences
Classification: Likely benign for FH-related condition. Last evaluated: 2021-11-10. Review status: no assertion criteria provided. Collection method: clinical testing. Allele origin: germline. Not counted in ClinVar's aggregate classification.
Comment: This variant is classified as likely benign based on ACMG/AMP sequence variant interpretation guidelines (Richards et al. 2015 PMID: 25741868, with internal and published modifications).

NM_000143.4(FH):c.540T>C (p.His180=)

Gene: FH (fumarate hydratase; minus strand). Cytogenetic location: 1q43.
Variant type: single nucleotide variant.
Coding change: c.540T>C on transcript NM_000143.4 (MANE Select); coding-DNA position 540, T replaced by C.
Protein change: p.His180=; no amino-acid change (histidine 180 retained).
Molecular consequence: synonymous variant.
Genome position (GRCh38, 1-based): chr1:241,511,982, A>G on the plus strand (T>C on the coding strand, the complement: FH is on the minus strand). VCF-style: chr1-241511982-A-G. GRCh37 (hg19) VCF-style: chr1-241675282-A-G.
Identifiers: ClinVar variation 460364 (VCV000460364.23), dbSNP rs766280573, ClinGen allele CA1478672.